The following is an entry in ClinVar:

ClinVar aggregate classification (germline): Uncertain significance (1 of 4 stars; one submission).

Conditions:
Mowat-Wilson syndrome (MOWS). Also called: Classic Mowat-Wilson Syndrome. Identifiers: Orphanet 2152, MedGen C1856113, MONDO:0009341, OMIM 235730.

Submission:

Labcorp Genetics (formerly Invitae), Labcorp
Classification: Uncertain significance for Mowat-Wilson syndrome. Last evaluated: 2023-12-14. Review status: criteria provided, single submitter. Criteria: Invitae Variant Classification Sherloc (09022015). Collection method: clinical testing. Allele origin: germline.
Comment: This sequence change replaces lysine, which is basic and polar, with asparagine, which is neutral and polar, at codon 332 of the ZEB2 protein (p.Lys332Asn). This variant is not present in population databases (gnomAD no frequency). This variant has not been reported in the literature in individuals affected with ZEB2-related conditions. Advanced modeling of protein sequence and biophysical properties (such as structural, functional, and spatial information, amino acid conservation, physicochemical variation, residue mobility, and thermodynamic stability) performed at Invitae indicates that this missense variant is expected to disrupt ZEB2 protein function with a positive predictive value of 80%. In summary, the available evidence is currently insufficient to determine the role of this variant in disease. Therefore, it has been classified as a Variant of Uncertain Significance.

NM_014795.4(ZEB2):c.996G>T (p.Lys332Asn)

Gene: ZEB2 (zinc finger E-box binding homeobox 2; minus strand). Cytogenetic location: 2q22.3.
Variant type: single nucleotide variant.
Coding change: c.996G>T on transcript NM_014795.4 (MANE Select); coding-DNA position 996, G replaced by T.
Protein change: p.Lys332Asn; replaces lysine 332 with asparagine.
Molecular consequence: missense variant.
Genome position (GRCh38, 1-based): chr2:144,400,191, C>A on the plus strand (G>T on the coding strand, the complement: ZEB2 is on the minus strand). VCF-style: chr2-144400191-C-A. GRCh37 (hg19) VCF-style: chr2-145157758-C-A.
Other names: c.924G>T, p.Lys308Asn (NM_001171653.2); short protein forms K332N, K308N.
Identifiers: ClinVar variation 2703047 (VCV002703047.3), dbSNP rs2549107179, ClinGen allele CA348713197.
Genomic context (GRCh38, chr2:144,400,191, plus strand): 5'-AGAACCCGTCTTGATATTGTTTCTCATTCGGCCATTTACAGAGATTAAACCAATACATTT[C>A]TTGCTGCTGATGTGCGAACTGTAGGAACCAGAATGGGAGAAACGTTTCTTGCAGTTTGGG-3'
Protein context (NP_055610.1, residues 322-342): SGSYSSHISS[Lys332Asn]KCIGLISVNG